The following is an entry in ClinVar:

NM_001003787.4(STRADA):c.95-9C>G

Gene: STRADA (STE20 related adaptor alpha; minus strand). Cytogenetic location: 17q23.3.
Variant type: single nucleotide variant.
Coding change: c.95-9C>G on transcript NM_001003787.4 (MANE Select); 9 bases into the intron before coding-DNA position 95, C replaced by G.
Molecular consequence: intron variant.
Genome position (GRCh38, 1-based): chr17:63,723,335, G>C on the plus strand (C>G on the coding strand, the complement: STRADA is on the minus strand). VCF-style: chr17-63723335-G-C. GRCh37 (hg19) VCF-style: chr17-61800695-G-C.
Other names: c.12+5023C>G (NM_001363789.1, NM_001003786.3, NM_153335.6); c.-52+3303C>G (NM_001363790.1, NM_001363791.1, NM_001003788.3); c.71-9C>G (NM_001363786.1); c.36+4999C>G (NM_001165969.2, NM_001363787.1); c.94+3303C>G (NM_001165970.2); c.95-9C>G (NM_001363788.1).
Identifiers: ClinVar variation 573154 (VCV000573154.10), dbSNP rs751729626, ClinGen allele CA8703515.

ClinVar aggregate classification (germline): Uncertain significance (1 of 4 stars; one submission).

Conditions:
Polyhydramnios, megalencephaly, and symptomatic epilepsy (PMSE). Also called: PMSE SYNDROME. Identifiers: Orphanet 500533, MedGen C1970203, MONDO:0012611, OMIM 611087.

Allele frequency attached by ClinVar (database versions not stated): ExAC 0.00002; gnomAD exomes 0.00002; TOPMed 0.00002; gnomAD 0.00004.
gnomAD v4.1: 33 of 1,614,064 alleles (0.002%); highest among the groups gnomAD compares: East Asian, 0.0045%; no homozygotes.

Submission:

Labcorp Genetics (formerly Invitae), Labcorp
Classification: Uncertain significance for Polyhydramnios, megalencephaly, and symptomatic epilepsy. Last evaluated: 2021-04-06. Review status: criteria provided, single submitter. Criteria: Invitae Variant Classification Sherloc (09022015). Collection method: clinical testing. Allele origin: germline.
Comment: Algorithms developed to predict the effect of sequence changes on RNA splicing suggest that this variant may disrupt the consensus splice site, but this prediction has not been confirmed by published transcriptional studies. This variant has not been reported in the literature in individuals with STRADA-related disease. This variant is present in population databases (rs751729626, ExAC 0.01%). This sequence change falls in intron 3 of the STRADA gene. It does not directly change the encoded amino acid sequence of the STRADA protein. In summary, the available evidence is currently insufficient to determine the role of this variant in disease. Therefore, it has been classified as a Variant of Uncertain Significance.